The following is an entry in ClinVar:

ClinVar aggregate classification (germline): Uncertain significance (1 of 4 stars; one submission).

Allele frequency attached by ClinVar (database versions not stated): gnomAD 0.00003; TOPMed 0.00004; gnomAD exomes 0.00006.
gnomAD v4.1: 84 of 1,555,424 alleles (0.0054%); highest among the groups gnomAD compares: Middle Eastern, 0.017%; no homozygotes.

Submission:

Labcorp Genetics (formerly Invitae), Labcorp
Classification: Uncertain significance. Last evaluated: 2024-02-17. Review status: criteria provided, single submitter. Criteria: Invitae Variant Classification Sherloc (09022015). Collection method: clinical testing. Allele origin: germline.
Comment: This sequence change affects codon 919 of the RIMS1 mRNA. It is a 'silent' change, meaning that it does not change the encoded amino acid sequence of the RIMS1 protein. The frequency data for this variant in the population databases is considered unreliable, as metrics indicate poor data quality at this position in the gnomAD database. This variant has not been reported in the literature in individuals affected with RIMS1-related conditions. ClinVar contains an entry for this variant (Variation ID: 1905209). Algorithms developed to predict the effect of sequence changes on RNA splicing suggest that this variant may disrupt the consensus splice site. In summary, the available evidence is currently insufficient to determine the role of this variant in disease. Therefore, it has been classified as a Variant of Uncertain Significance.

NM_014989.7(RIMS1):c.2757C>T (p.Gly919=)

Gene: RIMS1 (regulating synaptic membrane exocytosis 1; plus strand). Cytogenetic location: 6q13.
Variant type: single nucleotide variant.
Coding change: c.2757C>T on transcript NM_014989.7 (MANE Select); coding-DNA position 2757, C replaced by T.
Protein change: p.Gly919=; no amino-acid change (glycine 919 retained).
Molecular consequence: synonymous variant.
Genome position (GRCh38, 1-based): chr6:72,252,819, C>T. VCF-style: chr6-72252819-C-T. GRCh37 (hg19) VCF-style: chr6-72962522-C-T.
Other names: c.1179C>T, p.Gly393= (NM_001350416.2, NM_001350417.2, NM_001350418.2 and 37 more transcripts); c.1110C>T, p.Gly370= (NM_001350421.2, NM_001350424.2, NM_001350428.2 and 6 more transcripts); c.936C>T, p.Gly312= (NM_001350461.2, NM_001350463.2, NM_001350464.2 and 6 more transcripts); c.1134C>T, p.Gly378= (NM_001350470.2, NM_001350472.2, NM_001350473.2 and 2 more transcripts).
Identifiers: ClinVar variation 1905209 (VCV001905209.4), dbSNP rs764335105, ClinGen allele CA140882937.